The following is an entry in ClinVar:

NM_031885.5(BBS2):c.1337T>G (p.Val446Gly)

Gene: BBS2 (Bardet-Biedl syndrome 2; minus strand). Cytogenetic location: 16q13.
Variant type: single nucleotide variant.
Coding change: c.1337T>G on transcript NM_031885.5 (MANE Select); coding-DNA position 1337, T replaced by G.
Protein change: p.Val446Gly; replaces valine 446 with glycine.
Molecular consequence: missense variant. On other transcripts: non-coding transcript variant (2).
Genome position (GRCh38, 1-based): chr16:56,500,914, A>C on the plus strand (T>G on the coding strand, the complement: BBS2 is on the minus strand). VCF-style: chr16-56500914-A-C. GRCh37 (hg19) VCF-style: chr16-56534826-A-C.
Other names: c.1337T>G, p.Val446Gly (NM_001377456.1); short protein forms V446G.
Identifiers: ClinVar variation 4996924 (VCV004996924.1).

ClinVar aggregate classification (germline): Uncertain significance (1 of 4 stars; one submission).

Conditions:
BBS2-related disorder. Also called: BBS2-related disorders; BBS2-related condition. Identifiers: MedGen CN239228.

gnomAD v4.1: 2 of 1,614,206 alleles (0.00012%); highest among the groups gnomAD compares: East Asian, 0.0045%; no homozygotes.

Submission:

PreventionGenetics, part of Exact Sciences
Classification: Uncertain significance for BBS2-related condition. Last evaluated: 2025-03-19. Review status: criteria provided, single submitter. Criteria: ACMG Guidelines, 2015. Collection method: clinical testing. Allele origin: germline.
Comment: The BBS2 c.1337T>G variant is predicted to result in the amino acid substitution p.Val446Gly. To our knowledge, this variant has not been reported in the literature. This variant is reported in 0.011% of alleles in individuals of East Asian descent in gnomAD. At this time, the clinical significance of this variant is uncertain due to the absence of conclusive functional and genetic evidence.